The following is an entry in ClinVar:

ClinVar aggregate classification (germline): Uncertain significance (1 of 4 stars; one submission).

Conditions:
Peutz-Jeghers syndrome (PJS). Also called: POLYPOSIS, HAMARTOMATOUS INTESTINAL; POLYPS-AND-SPOTS SYNDROME; Peutz-Jeghers polyposis; Periorificial lentiginosis syndrome. Identifiers: Orphanet 2869, MedGen C0031269, MeSH D010580, MONDO:0008280, OMIM 175200.

Submission:

Labcorp Genetics (formerly Invitae), Labcorp
Classification: Uncertain significance for Peutz-Jeghers syndrome. Last evaluated: 2024-07-26. Review status: criteria provided, single submitter. Criteria: Invitae Variant Classification Sherloc (09022015). Collection method: clinical testing. Allele origin: germline.
Comment: This sequence change replaces isoleucine, which is neutral and non-polar, with valine, which is neutral and non-polar, at codon 303 of the STK11 protein (p.Ile303Val). This variant is not present in population databases (gnomAD no frequency). This variant has not been reported in the literature in individuals affected with STK11-related conditions. Advanced modeling of protein sequence and biophysical properties (such as structural, functional, and spatial information, amino acid conservation, physicochemical variation, residue mobility, and thermodynamic stability) performed at Invitae indicates that this missense variant is not expected to disrupt STK11 protein function with a negative predictive value of 95%. This variant disrupts the p.Ile303 amino acid residue in STK11. Other variant(s) that disrupt this residue have been observed in individuals with STK11-related conditions (PMID: 24949325, 31515776), which suggests that this may be a clinically significant amino acid residue. In summary, the available evidence is currently insufficient to determine the role of this variant in disease. Therefore, it has been classified as a Variant of Uncertain Significance.

Literature cited by the submitters: PubMed 24949325; PubMed 31515776.

NM_000455.5(STK11):c.907A>G (p.Ile303Val)

Gene: STK11 (serine/threonine kinase 11; plus strand). Cytogenetic location: 19p13.3.
Variant type: single nucleotide variant.
Coding change: c.907A>G on transcript NM_000455.5 (MANE Select); coding-DNA position 907, A replaced by G.
Protein change: p.Ile303Val; replaces isoleucine 303 with valine.
Molecular consequence: missense variant. On other transcripts: non-coding transcript variant (1).
Genome position (GRCh38, 1-based): chr19:1,221,993, A>G. VCF-style: chr19-1221993-A-G. GRCh37 (hg19) VCF-style: chr19-1221992-A-G.
Other names: c.907A>G, p.Ile303Val (NM_001407255.1); short protein forms I303V.
Identifiers: ClinVar variation 3660647 (VCV003660647.2).